The following is an entry in ClinVar:

ClinVar aggregate classification (germline): Benign/Likely benign. Review status: criteria provided, multiple submitters, no conflicts (2 of 4 stars). 3 submissions from 3 submitters: Benign (1); Likely benign (2). Last evaluated 2026-01-29.

Conditions:
Congenital adrenal insufficiency with 46, XY sex reversal OR 46,XY disorder of sex development-adrenal insufficiency due to CYP11A1 deficiency. Also called: P450scc DEFICIENCY; Congenital adrenal insuffiency with 46, XY sex reversal OR 46,XY disorder of sex development-adrenal insufficiency due to CYP11A1 deficiency. Identifiers: Orphanet 168558, MedGen C3151055, MONDO:0013400, OMIM 613743.

Allele frequency attached by ClinVar (database versions not stated): 1000 Genomes Project 30x 0.00031; 1000 Genomes Project 0.00040; ESP Exome Variant Server 0.00154; TOPMed 0.00165; gnomAD exomes 0.00211 and 0.00271; ExAC 0.00214; gnomAD 0.00241 and 0.00251.
gnomAD v4.1: 4,254 of 1,613,342 alleles (0.26%); highest among the groups gnomAD compares: Non-Finnish European, 0.3%; 6 homozygotes.

Submissions (3):

Labcorp Genetics (formerly Invitae), Labcorp
Classification: Benign. Last evaluated: 2026-01-29. Review status: criteria provided, single submitter. Criteria: Invitae Variant Classification Sherloc (09022015). Collection method: clinical testing. Allele origin: germline.

Blueprint Genetics
Classification: Likely benign. Last evaluated: 2024-11-25. Review status: criteria provided, single submitter. Criteria: ACMG Guidelines, 2015. Collection method: clinical testing. Allele origin: germline.

Illumina Laboratory Services, Illumina
Classification: Likely benign for Congenital adrenal insufficiency with 46, XY sex reversal OR 46,XY disorder of sex development-adrenal insufficiency due to CYP11A1 deficiency. Last evaluated: 2018-01-12. Review status: criteria provided, single submitter. Criteria: ICSL Variant Classification Criteria 13 December 2019. Collection method: clinical testing. Allele origin: germline.
Comment: This variant was observed in the ICSL laboratory as part of a predisposition screen in an ostensibly healthy population. It had not been previously curated by ICSL or reported in the Human Gene Mutation Database (HGMD: prior to June 1st, 2018), and was therefore a candidate for classification through an automated scoring system. Utilizing variant allele frequency, disease prevalence and penetrance estimates, and inheritance mode, an automated score was calculated to assess if this variant is too frequent to cause the disease. Based on the score and internal cut-off values, a variant classified as likely benign is not then subjected to further curation. The score for this variant resulted in a classification of likely benign for this disease.

NM_000781.3(CYP11A1):c.830-14C>G

Gene: CYP11A1 (cytochrome P450 family 11 subfamily A member 1; minus strand). Cytogenetic location: 15q24.1.
Variant type: single nucleotide variant.
Coding change: c.830-14C>G on transcript NM_000781.3 (MANE Select); 14 bases into the intron before coding-DNA position 830, C replaced by G.
Molecular consequence: intron variant.
Genome position (GRCh38, 1-based): chr15:74,343,151, G>C on the plus strand (C>G on the coding strand, the complement: CYP11A1 is on the minus strand). VCF-style: chr15-74343151-G-C. GRCh37 (hg19) VCF-style: chr15-74635492-G-C.
Other names: c.356-14C>G (NM_001099773.2).
Identifiers: ClinVar variation 317127 (VCV000317127.10), dbSNP rs190239248, ClinGen allele CA7656451.